The following is an entry in ClinVar:

ClinVar aggregate classification (germline): Likely benign (1 of 4 stars; one submission).

Conditions:
PDGFRA-related disorder. Also called: PDGFRA-related condition.

gnomAD v4.1: 45 of 1,353,362 alleles (0.0033%); highest among the groups gnomAD compares: African/African-American, 0.0044%; no homozygotes.

Submission:

PreventionGenetics, part of Exact Sciences
Classification: Likely benign for PDGFRA-related condition. Last evaluated: 2026-01-02. Review status: criteria provided, single submitter. Criteria: ACMG Guidelines, 2015. Collection method: clinical testing. Allele origin: germline.
Comment: This variant is classified as likely benign based on ACMG/AMP sequence variant interpretation guidelines (Richards et al. 2015 PMID: 25741868, with internal and published modifications).

NM_006206.6(PDGFRA):c.2323+1121G>A

Genes: PDGFRA (platelet derived growth factor receptor alpha; plus strand), LOC126807054 (BRD4-independent group 4 enhancer GRCh37_chr4:55147260-55148459; plus strand). Cytogenetic location: 4q12.
Variant type: single nucleotide variant.
Coding change: c.2323+1121G>A on transcript NM_006206.6 (MANE Select); 1121 bases into the intron after coding-DNA position 2323, G replaced by A.
Molecular consequence: intron variant. On other transcripts: synonymous variant (1).
Genome position (GRCh38, 1-based): chr4:54,281,603, G>A. VCF-style: chr4-54281603-G-A. GRCh37 (hg19) VCF-style: chr4-55147770-G-A.
Other names: c.2346G>A, p.Thr782= (NM_001347827.2); c.2398+1121G>A (NM_001347828.2); c.2323+1121G>A (NM_001347829.2); c.2362+1121G>A (NM_001347830.2).
Identifiers: ClinVar variation 4977077 (VCV004977077.1).